The following is an entry in ClinVar:

NM_005472.5(KCNE3):c.194T>C (p.Met65Thr)

Gene: KCNE3 (potassium voltage-gated channel subfamily E regulatory subunit 3; minus strand). Cytogenetic location: 11q13.4.
Variant type: single nucleotide variant.
Coding change: c.194T>C on transcript NM_005472.5 (MANE Select); coding-DNA position 194, T replaced by C.
Protein change: p.Met65Thr; replaces methionine 65 with threonine.
Molecular consequence: missense variant.
Genome position (GRCh38, 1-based): chr11:74,457,370, A>G on the plus strand (T>C on the coding strand, the complement: KCNE3 is on the minus strand). VCF-style: chr11-74457370-A-G. GRCh37 (hg19) VCF-style: chr11-74168415-A-G.
Other names: short protein forms M65T.
Identifiers: ClinVar variation 1489105 (VCV001489105.12), dbSNP rs1485350191, ClinGen allele CA381973874.

ClinVar aggregate classification (germline): Uncertain significance. Review status: criteria provided, multiple submitters, no conflicts (2 of 4 stars). 3 submissions from 3 submitters: Uncertain significance (3). Last evaluated 2025-12-08.

Conditions:
Cardiovascular phenotype. Identifiers: MedGen CN230736.
Brugada syndrome 6 (BRGDA6). Identifiers: Orphanet 130, MedGen C2751089, MONDO:0013145, OMIM 613119.

Allele frequency attached by ClinVar (database versions not stated): gnomAD exomes below 0.00001; gnomAD 0.00001; TOPMed 0.00001.

Submissions (3):

Labcorp Genetics (formerly Invitae), Labcorp
Classification: Uncertain significance for Brugada syndrome 6. Last evaluated: 2025-12-08. Review status: criteria provided, single submitter. Criteria: Invitae Variant Classification Sherloc (09022015). Collection method: clinical testing. Allele origin: germline.
Comment: This sequence change replaces methionine, which is neutral and non-polar, with threonine, which is neutral and polar, at codon 65 of the KCNE3 protein (p.Met65Thr). This variant is present in population databases (no rsID available, gnomAD no frequency). This variant has not been reported in the literature in individuals affected with KCNE3-related conditions. ClinVar contains an entry for this variant (Variation ID: 1489105). An algorithm developed to predict the effect of missense changes on protein structure and function (PolyPhen-2) suggests that this variant is likely to be disruptive. In summary, the available evidence is currently insufficient to determine the role of this variant in disease. Therefore, it has been classified as a Variant of Uncertain Significance.

Ambry Genetics
Classification: Uncertain significance for Cardiovascular phenotype. Last evaluated: 2025-02-04. Review status: criteria provided, single submitter. Criteria: Ambry Variant Classification Scheme 2023. Collection method: clinical testing. Allele origin: germline.
Comment: The p.M65T variant (also known as c.194T>C), located in coding exon 1 of the KCNE3 gene, results from a T to C substitution at nucleotide position 194. The methionine at codon 65 is replaced by threonine, an amino acid with similar properties. This amino acid position is highly conserved in available vertebrate species. In addition, this alteration is predicted to be deleterious by in silico analysis. The evidence for this gene-disease relationship is limited; therefore, the clinical significance of this alteration is unclear.

Fulgent Genetics
Classification: Uncertain significance for Brugada syndrome 6. Last evaluated: 2022-01-31. Review status: criteria provided, single submitter. Criteria: ACMG Guidelines, 2015. Collection method: clinical testing. Allele origin: unknown.